The following is an entry in ClinVar:

NM_001672.3(ASIP):c.62A>G (p.Asn21Ser)

Genes: AHCY (adenosylhomocysteinase; minus strand), ASIP (agouti signaling protein; plus strand). Cytogenetic location: 20q11.22.
Variant type: single nucleotide variant.
Coding change: c.62A>G on transcript NM_001672.3 (MANE Select); coding-DNA position 62, A replaced by G.
Protein change: p.Asn21Ser; replaces asparagine 21 with serine.
Molecular consequence: missense variant.
Genome position (GRCh38, 1-based): chr20:34,260,436, A>G. VCF-style: chr20-34260436-A-G. GRCh37 (hg19) VCF-style: chr20-32848242-A-G.
Other names: c.62A>G, p.Asn21Ser (NM_001385218.1); short protein forms N21S.
Identifiers: ClinVar variation 4155017 (VCV004155017.2).

ClinVar aggregate classification (germline): Uncertain significance. Review status: criteria provided, multiple submitters, no conflicts (2 of 4 stars). 2 submissions from 2 submitters: Uncertain significance (2). Last evaluated 2025-08-29.

Conditions:
ASIP-related condition.

gnomAD v4.1: 15 of 1,613,920 alleles (0.00093%); highest among the groups gnomAD compares: Middle Eastern, 0.016%; no homozygotes.

Submissions (2):

Ambry Genetics
Classification: Uncertain significance. Last evaluated: 2025-08-29. Review status: criteria provided, single submitter. Criteria: Ambry Variant Classification Scheme 2023. Collection method: clinical testing. Allele origin: germline.

PreventionGenetics, part of Exact Sciences
Classification: Uncertain significance for ASIP-related condition. Last evaluated: 2024-12-06. Review status: criteria provided, single submitter. Criteria: ACMG Guidelines, 2015. Collection method: clinical testing. Allele origin: germline.
Comment: The ASIP c.62A>G variant is predicted to result in the amino acid substitution p.Asn21Ser. To our knowledge, this variant has not been reported in the literature. This variant is reported in 0.0098% of alleles in individuals of South Asian descent in gnomAD. At this time, the clinical significance of this variant is uncertain due to the absence of conclusive functional and genetic evidence.